The following is an entry in ClinVar:

ClinVar aggregate classification (germline): Benign. Review status: reviewed by expert panel (3 of 4 stars). 2 submissions from 2 submitters: Benign (1). 1 of the submissions does not count toward it. Last evaluated 2022-06-30.

Conditions:
Hereditary thrombocytopenia and hematologic cancer predisposition syndrome. Identifiers: Orphanet 71290, MedGen CN281654, MONDO:0011071.
Hereditary thrombocytopenia and hematological cancer predisposition syndrome associated with RUNX1. Also called: PLATELET DISORDER, ASPIRIN-LIKE; RUNX1 Familial Platelet Disorder with Associated Myeloid Malignancies; Familial Platelet Disorder with Propensity to Acute Myelogenous Leukemia; Familial thrombocytopenia with propensity to acute myelogenous leukemia. Identifiers: Orphanet 71290, MedGen C1832388, MeSH C563324, MONDO:0100083, OMIM 601399.

Allele frequency attached by ClinVar (database versions not stated): gnomAD 0.00001 and 0.00015; TOPMed 0.00005; 1000 Genomes Project 30x 0.00078; 1000 Genomes Project 0.00100; gnomAD exomes 0.00229.
gnomAD v4.1: 192 of 233,352 alleles (0.082%); highest among the groups gnomAD compares: East Asian, 1.2%; 2 homozygotes.

Submissions (2):

ClinGen Myeloid Malignancy Variant Curation Expert Panel
Classification: Benign for Hereditary thrombocytopenia and hematologic cancer predisposition syndrome. Last evaluated: 2022-06-30. Review status: reviewed by expert panel. Criteria: ClinGen MyeloMalig ACMG Specifications v2. Collection method: curation. Allele origin: germline. Inheritance: Autosomal dominant inheritance.
Comment: NM_001754.5(RUNX1):c.*3090A>G is a 3' UTR variant. MAF of 0.004228 (0.4228%, 22/5204 alleles) in the East Asian subpopulation of the gnomAD v3.1.2 cohort is ≥ 0.0015 (0.15%) (BA1). In summary, this variant meets the criteria to be classified as benign. ACMG/AMP criteria applied, as specified by the Myeloid Malignancy Variant Curation Expert Panel for RUNX1: BA1

Illumina Laboratory Services, Illumina
Classification: Benign for Hereditary thrombocytopenia and hematological cancer predisposition syndrome associated with RUNX1. Last evaluated: 2018-01-13. Review status: criteria provided, single submitter. Criteria: ICSL Variant Classification Criteria 13 December 2019. Collection method: clinical testing. Allele origin: germline. Not counted in ClinVar's aggregate classification.
Comment: This variant was observed in the ICSL laboratory as part of a predisposition screen in an ostensibly healthy population. It had not been previously curated by ICSL or reported in the Human Gene Mutation Database (HGMD: prior to June 1st, 2018), and was therefore a candidate for classification through an automated scoring system. Utilizing variant allele frequency, disease prevalence and penetrance estimates, and inheritance mode, an automated score was calculated to assess if this variant is too frequent to cause the disease. Based on the score and internal cut-off values, a variant classified as benign is not then subjected to further curation. The score for this variant resulted in a classification of benign for this disease.

NM_001754.5(RUNX1):c.*3090A>G

Gene: RUNX1 (RUNX family transcription factor 1; minus strand). Cytogenetic location: 21q22.12.
Variant type: single nucleotide variant.
Coding change: c.*3090A>G on transcript NM_001754.5 (MANE Select); 3090 bases downstream of the stop codon, A replaced by G.
Molecular consequence: 3 prime UTR variant.
Genome position (GRCh38, 1-based): chr21:34,789,045, T>C on the plus strand (A>G on the coding strand, the complement: RUNX1 is on the minus strand). VCF-style: chr21-34789045-T-C. GRCh37 (hg19) VCF-style: chr21-36161342-T-C.
Other names: c.*3090A>G (NM_001001890.3).
Identifiers: ClinVar variation 898728 (VCV000898728.5), dbSNP rs77715740, ClinGen allele CA320248929.